The following is an entry in ClinVar:

NM_002485.5(NBN):c.575A>G (p.Gln192Arg)

Gene: NBN (nibrin; minus strand). Cytogenetic location: 8q21.3.
Variant type: single nucleotide variant.
Coding change: c.575A>G on transcript NM_002485.5 (MANE Select); coding-DNA position 575, A replaced by G.
Protein change: p.Gln192Arg; replaces glutamine 192 with arginine.
Molecular consequence: missense variant.
Genome position (GRCh38, 1-based): chr8:89,978,229, T>C on the plus strand (A>G on the coding strand, the complement: NBN is on the minus strand). VCF-style: chr8-89978229-T-C. GRCh37 (hg19) VCF-style: chr8-90990457-T-C.
Other names: c.329A>G, p.Gln110Arg (NM_001024688.3); short protein forms Q110R, Q192R.
Identifiers: ClinVar variation 2790483 (VCV002790483.3), dbSNP rs2488343410, ClinGen allele CA371660103.

ClinVar aggregate classification (germline): Uncertain significance (1 of 4 stars; one submission).

Conditions:
Microcephaly, normal intelligence and immunodeficiency (NBS). Also called: Nijmegen breakage syndrome; Microcephaly with normal intelligence immunodeficiency and lymphoreticular malignancies; Nonsyndromal microcephaly autosomal recessive with normal intelligence; Seemanova syndrome 2; SEEMANOVA SYNDROME II; Ataxia telangiectasia variant V1. Identifiers: Orphanet 647, MedGen C0398791, MONDO:0009623, OMIM 251260.

Allele frequency attached by ClinVar (database versions not stated): gnomAD exomes below 0.00001.
gnomAD v4.1: 1 of 1,604,208 alleles (0.000062%); highest among the groups gnomAD compares: Non-Finnish European, 0.000085%; no homozygotes.

Submission:

Labcorp Genetics (formerly Invitae), Labcorp
Classification: Uncertain significance for Microcephaly, normal intelligence and immunodeficiency. Last evaluated: 2023-06-16. Review status: criteria provided, single submitter. Criteria: Invitae Variant Classification Sherloc (09022015). Collection method: clinical testing. Allele origin: germline.
Comment: In summary, the available evidence is currently insufficient to determine the role of this variant in disease. Therefore, it has been classified as a Variant of Uncertain Significance. An algorithm developed to predict the effect of missense changes on protein structure and function (PolyPhen-2) suggests that this variant is likely to be tolerated. This variant has not been reported in the literature in individuals affected with NBN-related conditions. This variant is not present in population databases (gnomAD no frequency). This sequence change replaces glutamine, which is neutral and polar, with arginine, which is basic and polar, at codon 192 of the NBN protein (p.Gln192Arg).